The following is an entry in ClinVar:

ClinVar aggregate classification (germline): Uncertain significance (1 of 4 stars; one submission).

gnomAD v4.1: 50 of 1,614,148 alleles (0.0031%); highest among the groups gnomAD compares: Non-Finnish European, 0.0036%; no homozygotes.

Submission:

Labcorp Genetics (formerly Invitae), Labcorp
Classification: Uncertain significance. Last evaluated: 2026-02-02. Review status: criteria provided, single submitter. Criteria: Invitae Variant Classification Sherloc (09022015). Collection method: clinical testing. Allele origin: germline.
Comment: This sequence change replaces isoleucine, which is neutral and non-polar, with methionine, which is neutral and non-polar, at codon 1626 of the MYH3 protein (p.Ile1626Met). This variant is present in population databases (rs373372168, gnomAD 0.02%). This variant has not been reported in the literature in individuals affected with MYH3-related conditions. Invitae Evidence Modeling of protein sequence and biophysical properties (such as structural, functional, and spatial information, amino acid conservation, physicochemical variation, residue mobility, and thermodynamic stability) indicates that this missense variant is not expected to disrupt MYH3 protein function with a negative predictive value of 95%. In summary, the available evidence is currently insufficient to determine the role of this variant in disease. Therefore, it has been classified as a Variant of Uncertain Significance.

NM_002470.4(MYH3):c.4878C>G (p.Ile1626Met)

Gene: MYH3 (myosin heavy chain 3; minus strand). Cytogenetic location: 17p13.1.
Variant type: single nucleotide variant.
Coding change: c.4878C>G on transcript NM_002470.4 (MANE Select); coding-DNA position 4878, C replaced by G.
Protein change: p.Ile1626Met; replaces isoleucine 1626 with methionine.
Molecular consequence: missense variant.
Genome position (GRCh38, 1-based): chr17:10,632,554, G>C on the plus strand (C>G on the coding strand, the complement: MYH3 is on the minus strand). VCF-style: chr17-10632554-G-C. GRCh37 (hg19) VCF-style: chr17-10535871-G-C.
Other names: short protein forms I1626M.
Identifiers: ClinVar variation 4700164 (VCV004700164.1).